The following is an entry in ClinVar:

ClinVar aggregate classification (germline): Likely pathogenic (1 of 4 stars; one submission).

Submission:

GeneDx
Classification: Likely pathogenic. Last evaluated: 2015-10-21. Review status: criteria provided, single submitter. Criteria: GeneDx Variant Classification (06012015). Collection method: clinical testing. Allele origin: germline. Affected: yes.
Comment: The I643N variant in the SLC6A5 gene has not been published as a pathogenic variant, nor has it been reported as a benign polymorphism to our knowledge. The I643N variant was not observed in approximately 6500 individuals of European and African American ancestry in the NHLBI Exome Sequencing Project, indicating it is not a common benign variant in these populations. The I643N variant is a non-conservative amino acid substitution, which is likely to impact secondary protein structure as these residues differ in polarity, charge, size and/or other properties. This substitution occurs at a position that is conserved across species. In silico analysis predicts this variant is probably damaging to the protein structure/function. The I643N variant is a strong candidate for a pathogenic variant, however the possibility it may be a rare benign variant cannot be excluded.

NM_004211.5(SLC6A5):c.1928T>A (p.Ile643Asn)

Gene: SLC6A5 (solute carrier family 6 member 5; plus strand). Cytogenetic location: 11p15.1.
Variant type: single nucleotide variant.
Coding change: c.1928T>A on transcript NM_004211.5 (MANE Select); coding-DNA position 1928, T replaced by A.
Protein change: p.Ile643Asn; replaces isoleucine 643 with asparagine.
Molecular consequence: missense variant.
Genome position (GRCh38, 1-based): chr11:20,638,517, T>A. VCF-style: chr11-20638517-T-A. GRCh37 (hg19) VCF-style: chr11-20660063-T-A.
Other names: c.1226T>A, p.Ile409Asn (NM_001318369.2); short protein forms I643N, I409N.
Identifiers: ClinVar variation 429593 (VCV000429593.2), dbSNP rs1131691477, ClinGen allele CA379918685.
Genomic context (GRCh38, chr11:20,638,517, plus strand): 5'-AGGGTGGAATTTACATGTTTCAGCTTGTGGACACCTATGCTGCCTCCTATGCCCTTGTCA[T>A]CATTGCCATTTTTGAGCTCGTGGGGATCTCTTATGTGTATGGTAAGGAAATCACTGTGCC-3'
Protein context (NP_004202.4, residues 633-653): DTYAASYALV[Ile643Asn]IAIFELVGIS